The following is an entry in ClinVar:

ClinVar aggregate classification (germline): Pathogenic (1 of 4 stars; one submission).

Conditions:
Autosomal recessive nonsyndromic hearing loss 3. Also called: NEUROSENSORY NONSYNDROMIC RECESSIVE DEAFNESS 3. Identifiers: Orphanet 90636, MedGen C1838263, MONDO:0010860, OMIM 600316.

Submission:

Institute of Rare Diseases, West China Hospital, Sichuan University
Classification: Pathogenic for Autosomal recessive nonsyndromic hearing loss 3. Last evaluated: 2025-01-09. Review status: criteria provided, single submitter. Criteria: ClinGen HL ACMG Specifications v1. Collection method: research. Allele origin: germline. Affected: yes.
Comment: PVS1;PM3;PM2_Supporting

NM_016239.4(MYO15A):c.7996_8008dup (p.Gln2670fs)

Gene: MYO15A (myosin XVA; plus strand). Cytogenetic location: 17p11.2.
Variant type: Duplication.
Coding change: c.7996_8008dup on transcript NM_016239.4 (MANE Select); coding-DNA positions 7996 to 8008, 13 bases duplicated (GAGGAACTCACGC).
Protein change: p.Gln2670fs; shifts the reading frame from glutamine 2670.
Molecular consequence: frameshift variant.
Genome position (GRCh38, 1-based): chr17:18,153,804-18,153,816, GAGGAACTCACGC duplicated. VCF-style (leftmost placement, unchanged base first): chr17-18153803-T-TGAGGAACTCACGC. GRCh37 (hg19) VCF-style: chr17-18057117-T-TGAGGAACTCACGC.
Other names: short protein forms Q2670fs.
Identifiers: ClinVar variation 3601394 (VCV003601394.1).